The following is an entry in ClinVar:

NM_000059.4(BRCA2):c.7008-796A>G

Gene: BRCA2 (BRCA2 DNA repair associated; plus strand). Cytogenetic location: 13q13.1.
Variant type: single nucleotide variant.
Coding change: c.7008-796A>G on transcript NM_000059.4 (MANE Select); 796 bases into the intron before coding-DNA position 7008, A replaced by G.
Molecular consequence: intron variant.
Genome position (GRCh38, 1-based): chr13:32,354,065, A>G. VCF-style: chr13-32354065-A-G. GRCh37 (hg19) VCF-style: chr13-32928202-A-G.
Other names: IVS 13-796A>G.
Identifiers: ClinVar variation 209753 (VCV000209753.1), dbSNP rs9943888, ClinGen allele CA276721.

ClinVar aggregate classification (germline): Benign (3 of 4 stars; one submission).

Conditions:
Breast-ovarian cancer, familial, susceptibility to, 2 (BROVCA2). Also called: BRCA2 Hereditary Breast and Ovarian Cancer. Identifiers: Orphanet 145, MedGen C2675520, MONDO:0012933, OMIM 612555. Disease mechanism: loss of function.

Allele frequency attached by ClinVar (database versions not stated): 1000 Genomes Project 0.20927; 1000 Genomes Project 30x 0.21174; TOPMed 0.25426; gnomAD 0.25836 and 0.26455.
gnomAD v4.1: 39,263 of 152,152 alleles (26%); highest among the groups gnomAD compares: Non-Finnish European, 27%; 5,292 homozygotes.

Submission:

Evidence-based Network for the Interpretation of Germline Mutant Alleles (ENIGMA)
Classification: Benign for Breast-ovarian cancer, familial 2. Last evaluated: 2015-01-12. Review status: reviewed by expert panel. Criteria: ENIGMA BRCA1/2 Classification Criteria (2015). Collection method: curation. Allele origin: germline.
Comment: Class 1 not pathogenic based on frequency >1% in an outbred sampleset. Frequency 0.06993 (Asian), 0.3232 (African), 0.2836 (European), derived from 1000 genomes (2012-04-30).